The following is an entry in ClinVar:

NM_005802.5(TOPORS):c.2796A>C (p.Gln932His)

Gene: TOPORS (TOP1 binding arginine/serine rich protein, E3 ubiquitin ligase; minus strand). Cytogenetic location: 9p21.1.
Variant type: single nucleotide variant.
Coding change: c.2796A>C on transcript NM_005802.5 (MANE Select); coding-DNA position 2796, A replaced by C.
Protein change: p.Gln932His; replaces glutamine 932 with histidine.
Molecular consequence: missense variant.
Genome position (GRCh38, 1-based): chr9:32,541,729, T>G on the plus strand (A>C on the coding strand, the complement: TOPORS is on the minus strand). VCF-style: chr9-32541729-T-G. GRCh37 (hg19) VCF-style: chr9-32541727-T-G.
Other names: c.2601A>C, p.Gln867His (NM_001195622.2); short protein forms Q867H, Q932H.
Identifiers: ClinVar variation 1417896 (VCV001417896.9), dbSNP rs772169920, ClinGen allele CA5020304.

ClinVar aggregate classification (germline): Uncertain significance. Review status: criteria provided, multiple submitters, no conflicts (2 of 4 stars). 2 submissions from 2 submitters: Uncertain significance (2). Last evaluated 2022-08-22.

Allele frequency attached by ClinVar (database versions not stated): ExAC 0.00001; gnomAD exomes 0.00001.
gnomAD v4.1: 10 of 1,614,222 alleles (0.00062%); highest among the groups gnomAD compares: South Asian, 0.011%; no homozygotes.

Submissions (2):

Labcorp Genetics (formerly Invitae), Labcorp
Classification: Uncertain significance. Last evaluated: 2022-08-22. Review status: criteria provided, single submitter. Criteria: Invitae Variant Classification Sherloc (09022015). Collection method: clinical testing. Allele origin: germline.
Comment: This variant is present in population databases (rs772169920, gnomAD 0.01%). This sequence change replaces glutamine, which is neutral and polar, with histidine, which is basic and polar, at codon 932 of the TOPORS protein (p.Gln932His). In summary, the available evidence is currently insufficient to determine the role of this variant in disease. Therefore, it has been classified as a Variant of Uncertain Significance. Algorithms developed to predict the effect of missense changes on protein structure and function are either unavailable or do not agree on the potential impact of this missense change (SIFT: "Tolerated"; PolyPhen-2: "Not Available"; Align-GVGD: "Class C0"). ClinVar contains an entry for this variant (Variation ID: 1417896). This variant has not been reported in the literature in individuals affected with TOPORS-related conditions.

Blueprint Genetics
Classification: Uncertain significance. Last evaluated: 2018-12-12. Review status: criteria provided, single submitter. Criteria: ACMG Guidelines, 2015. Collection method: clinical testing. Allele origin: germline.